The following is an entry in ClinVar:

NM_001197104.2(KMT2A):c.8279G>A (p.Arg2760Lys)

Gene: KMT2A (lysine methyltransferase 2A; plus strand). Cytogenetic location: 11q23.3.
Variant type: single nucleotide variant.
Coding change: c.8279G>A on transcript NM_001197104.2 (MANE Select); coding-DNA position 8279, G replaced by A.
Protein change: p.Arg2760Lys; replaces arginine 2760 with lysine.
Molecular consequence: missense variant.
Genome position (GRCh38, 1-based): chr11:118,504,171, G>A. VCF-style: chr11-118504171-G-A. GRCh37 (hg19) VCF-style: chr11-118374886-G-A.
Other names: c.8369G>A, p.Arg2790Lys (NM_001412597.1); c.8270G>A, p.Arg2757Lys (NM_005933.4); short protein forms R2760K, R2790K, R2757K.
Identifiers: ClinVar variation 4623057 (VCV004623057.2).

ClinVar aggregate classification (germline): Uncertain significance. Review status: criteria provided, multiple submitters, no conflicts (2 of 4 stars). 2 submissions from 2 submitters: Uncertain significance (2). Last evaluated 2025-10-28.

Conditions:
Inborn genetic diseases. Identifiers: MedGen C0950123, MeSH D030342.

Submissions (2):

Ambry Genetics
Classification: Uncertain significance for Inborn genetic diseases. Last evaluated: 2025-10-28. Review status: criteria provided, single submitter. Criteria: Ambry Variant Classification Scheme 2023. Collection method: clinical testing. Allele origin: germline.

Labcorp Genetics (formerly Invitae), Labcorp
Classification: Uncertain significance. Last evaluated: 2025-08-24. Review status: criteria provided, single submitter. Criteria: Invitae Variant Classification Sherloc (09022015). Collection method: clinical testing. Allele origin: germline.
Comment: This sequence change replaces arginine, which is basic and polar, with lysine, which is basic and polar, at codon 2760 of the KMT2A protein (p.Arg2760Lys). This variant is not present in population databases (gnomAD no frequency). This variant has not been reported in the literature in individuals affected with KMT2A-related conditions. Invitae Evidence Modeling of protein sequence and biophysical properties (such as structural, functional, and spatial information, amino acid conservation, physicochemical variation, residue mobility, and thermodynamic stability) indicates that this missense variant is not expected to disrupt KMT2A protein function with a negative predictive value of 95%. In summary, the available evidence is currently insufficient to determine the role of this variant in disease. Therefore, it has been classified as a Variant of Uncertain Significance.